The following is an entry in ClinVar:

NM_013436.5(NCKAP1):c.513-10C>T

Gene: NCKAP1 (NCK associated protein 1; minus strand). Cytogenetic location: 2q32.1.
Variant type: single nucleotide variant.
Coding change: c.513-10C>T on transcript NM_013436.5 (MANE Select); 10 bases into the intron before coding-DNA position 513, C replaced by T.
Molecular consequence: intron variant.
Genome position (GRCh38, 1-based): chr2:183,002,053, G>A on the plus strand (C>T on the coding strand, the complement: NCKAP1 is on the minus strand). VCF-style: chr2-183002053-G-A. GRCh37 (hg19) VCF-style: chr2-183866781-G-A.
Other names: c.507-10C>T (NM_001437266.1); c.525-10C>T (NM_001437267.1); c.531-10C>T (NM_205842.3).
Identifiers: ClinVar variation 4881953 (VCV004881953.2).

ClinVar aggregate classification (germline): Uncertain significance (1 of 4 stars; one submission).

gnomAD v4.1: 1 of 1,613,032 alleles (0.000062%); highest among the groups gnomAD compares: East Asian, 0.0022%; no homozygotes.

Submission:

Dasa
Classification: Uncertain significance. Last evaluated: 2025-04-10. Review status: criteria provided, single submitter. Criteria: DASA Assertion Criteria. Collection method: clinical testing. Allele origin: germline.
Comment: NM_013436.5(NCKAP1):c.513-10C>T is a splice-region variant. This variant is rare in population databases. Computational prediction algorithms are consistent with a benign effect. The currently available literature and clinical evidence are not sufficient to establish a definitive association between this variant and the reported condition. Therefore, this variant is classified as a variant of uncertain significance.